The following is an entry in ClinVar:

ClinVar aggregate classification (germline): Conflicting classifications of pathogenicity. Review status: criteria provided, conflicting classifications (1 of 4 stars). 12 submissions from 8 submitters: Uncertain significance (4); Benign (1); Likely benign (7). Last evaluated 2026-06-01.

Conditions:
TTN-related disorder. Also called: TTN-related condition; TTN-related disease; TTN-related disorders.
Early-onset myopathy with fatal cardiomyopathy (CMYO5). Also called: CONGENITAL MYOPATHY 5 WITH CARDIOMYOPATHY; Salih Myopathy. Identifiers: Orphanet 289377, MedGen C2673677, MONDO:0012714, OMIM 611705. Disease mechanism: loss of function.
Myopathy, myofibrillar, 9, with early respiratory failure (MFM9). Also called: Myopathy, distal, with early respiratory failure, autosomal dominant; Hereditary myopathy with early respiratory failure; MYOPATHY, PROXIMAL, WITH EARLY RESPIRATORY MUSCLE INVOLVEMENT; EDSTROM MYOPATHY. Identifiers: Orphanet 178464, Orphanet 34521, MedGen C1863599, MONDO:0011362, OMIM 603689.
Cardiovascular phenotype. Identifiers: MedGen CN230736.
Dilated cardiomyopathy 1G (CMD1G). Identifiers: Orphanet 154, MedGen C1858763, MONDO:0011400, OMIM 604145.
Autosomal recessive limb-girdle muscular dystrophy type 2J (LGMDR10). Also called: Limb-girdle muscular dystrophy, type 2J; MUSCULAR DYSTROPHY, LIMB-GIRDLE, AUTOSOMAL RECESSIVE 10. Identifiers: Orphanet 140922, MedGen C1837342, MONDO:0012127, OMIM 608807.
Tibial muscular dystrophy (TMD). Also called: Udd Distal Myopathy – Tibial Muscular Dystrophy; Tibial muscular dystrophy, tardive; UDD MYOPATHY. Identifiers: Orphanet 609, MedGen C1838244, MONDO:0010870, OMIM 600334.

Allele frequency attached by ClinVar (database versions not stated): TOPMed 0.00001; gnomAD 0.00005; gnomAD exomes 0.00010; ExAC 0.00012; 1000 Genomes Project 30x 0.00016.
gnomAD v4.1: 69 of 1,613,226 alleles (0.0043%); highest among the groups gnomAD compares: Non-Finnish European, 0.0017%; no homozygotes.

Submissions (12):

CeGaT Center for Human Genetics Tuebingen
Classification: Likely benign. Last evaluated: 2026-06-01. Review status: criteria provided, single submitter. Criteria: CeGaT Center For Human Genetics Tuebingen Variant Classification Criteria Version 2. Collection method: clinical testing. Allele origin: germline. Affected: yes. Observed: 2 variant alleles.
Comment: TTN: BP4, BP7

Labcorp Genetics (formerly Invitae), Labcorp
Classification: Benign for Dilated cardiomyopathy 1G; Autosomal recessive limb-girdle muscular dystrophy type 2J. Last evaluated: 2025-12-24. Review status: criteria provided, single submitter. Criteria: Invitae Variant Classification Sherloc (09022015). Collection method: clinical testing. Allele origin: germline.

PreventionGenetics, part of Exact Sciences
Classification: Likely benign for TTN-related condition. Last evaluated: 2025-07-18. Review status: criteria provided, single submitter. Criteria: ACMG Guidelines, 2015. Collection method: clinical testing. Allele origin: germline.
Comment: This variant is classified as likely benign based on ACMG/AMP sequence variant interpretation guidelines (Richards et al. 2015 PMID: 25741868, with internal and published modifications).

Molecular Diagnostic Laboratory for Inherited Cardiovascular Disease, Montreal Heart Institute
Classification: Likely benign. Last evaluated: 2025-04-09. Review status: criteria provided, single submitter. Criteria: ACMG Guidelines, 2015. Collection method: clinical testing. Allele origin: germline. Affected: no.

Blueprint Genetics
Classification: Likely benign. Last evaluated: 2024-07-11. Review status: criteria provided, single submitter. Criteria: ACMG Guidelines, 2015. Collection method: clinical testing. Allele origin: germline.

Ambry Genetics
Classification: Likely benign for Cardiovascular phenotype. Last evaluated: 2021-08-10. Review status: criteria provided, single submitter. Criteria: Ambry Variant Classification Scheme 2023. Collection method: clinical testing. Allele origin: germline.

Illumina Laboratory Services, Illumina
Classification: Likely benign for Tibial muscular dystrophy. Last evaluated: 2018-01-13. Review status: criteria provided, single submitter. Criteria: ICSL Variant Classification Criteria 13 December 2019. Collection method: clinical testing. Allele origin: germline.
Comment: This variant was observed in the ICSL laboratory as part of a predisposition screen in an ostensibly healthy population. It had not been previously curated by ICSL or reported in the Human Gene Mutation Database (HGMD: prior to June 1st, 2018), and was therefore a candidate for classification through an automated scoring system. Utilizing variant allele frequency, disease prevalence and penetrance estimates, and inheritance mode, an automated score was calculated to assess if this variant is too frequent to cause the disease. Based on the score and internal cut-off values, a variant classified as likely benign is not then subjected to further curation. The score for this variant resulted in a classification of likely benign for this disease.

Illumina Laboratory Services, Illumina
Classification: Uncertain significance for Early-onset myopathy with fatal cardiomyopathy. Last evaluated: 2018-01-13. Review status: criteria provided, single submitter. Criteria: ICSL Variant Classification Criteria 13 December 2019. Collection method: clinical testing. Allele origin: germline.

Illumina Laboratory Services, Illumina
Classification: Uncertain significance for Autosomal recessive limb-girdle muscular dystrophy type 2J. Last evaluated: 2018-01-13. Review status: criteria provided, single submitter. Criteria: ICSL Variant Classification Criteria 13 December 2019. Collection method: clinical testing. Allele origin: germline.

Illumina Laboratory Services, Illumina
Classification: Likely benign for Myopathy, myofibrillar, 9, with early respiratory failure. Last evaluated: 2018-01-13. Review status: criteria provided, single submitter. Criteria: ICSL Variant Classification Criteria 13 December 2019. Collection method: clinical testing. Allele origin: germline.
Comment: the same text as in the submission from Illumina Laboratory Services, Illumina above.

Illumina Laboratory Services, Illumina
Classification: Uncertain significance for Dilated cardiomyopathy 1G. Last evaluated: 2018-01-13. Review status: criteria provided, single submitter. Criteria: ICSL Variant Classification Criteria 13 December 2019. Collection method: clinical testing. Allele origin: germline.

Eurofins Ntd Llc (ga)
Classification: Uncertain significance. Last evaluated: 2017-01-24. Review status: criteria provided, single submitter. Criteria: EGL Classification Definitions 2015. Collection method: clinical testing. Allele origin: germline. Observed: 2 variant alleles, 2 heterozygotes.

NM_001267550.2(TTN):c.43161G>A (p.Glu14387=)

Gene: TTN (titin; minus strand). Cytogenetic location: 2q31.2.
Variant type: single nucleotide variant.
Coding change: c.43161G>A on transcript NM_001267550.2 (MANE Select); coding-DNA position 43161, G replaced by A.
Protein change: p.Glu14387=; no amino-acid change (glutamic acid 14387 retained).
Molecular consequence: synonymous variant.
Genome position (GRCh38, 1-based): chr2:178,632,970, C>T on the plus strand (G>A on the coding strand, the complement: TTN is on the minus strand). VCF-style: chr2-178632970-C-T. GRCh37 (hg19) VCF-style: chr2-179497697-C-T.
Other names: c.38238G>A, p.Glu12746= (NM_001256850.1); c.15966G>A, p.Glu5322= (NM_003319.4); c.35457G>A, p.Glu11819= (NM_133378.4); c.16341G>A, p.Glu5447= (NM_133432.3); c.16542G>A, p.Glu5514= (NM_133437.4).
Identifiers: ClinVar variation 497009 (VCV000497009.55), dbSNP rs765214404, ClinGen allele CA1995930.